The following is an entry in ClinVar:

NM_000138.5(FBN1):c.6046G>A (p.Glu2016Lys)

Gene: FBN1 (fibrillin 1; minus strand). Cytogenetic location: 15q21.1.
Variant type: single nucleotide variant.
Coding change: c.6046G>A on transcript NM_000138.5 (MANE Select); coding-DNA position 6046, G replaced by A.
Protein change: p.Glu2016Lys; replaces glutamic acid 2016 with lysine.
Molecular consequence: missense variant.
Genome position (GRCh38, 1-based): chr15:48,441,838, C>T on the plus strand (G>A on the coding strand, the complement: FBN1 is on the minus strand). VCF-style: chr15-48441838-C-T. GRCh37 (hg19) VCF-style: chr15-48734035-C-T.
Other names: short protein forms E2016K.
Identifiers: ClinVar variation 1193222 (VCV001193222.12), dbSNP rs2141245531, ClinGen allele CA392338646.
Genomic context (GRCh38, chr15:48,441,838, plus strand): 5'-AGCTGCCTTCAGTGTTACTGCATGTGCCCAGGGCACAAATTTCTGGCTCTTCGACACACT[C>T]ATCAATATCTAAAAGAATCACATGAGTCAAACAAAGTCAAAACACGATGGAGACATCATC-3'
Protein context (NP_000129.3, residues 2006-2026): LQNEKCEDID[Glu2016Lys]CVEEPEICAL

ClinVar aggregate classification (germline): Conflicting classifications of pathogenicity. Review status: criteria provided, conflicting classifications (1 of 4 stars). 4 submissions from 4 submitters: Pathogenic (1); Likely pathogenic (2); Uncertain significance (1). Last evaluated 2025-10-01.

Conditions:
Marfan syndrome (MFS). Also called: MARFAN SYNDROME, TYPE I; Marfan syndrome type 1; Marfan's syndrome; Marfan syndrome, classic; FBN1-Related Marfan Syndrome. Identifiers: Orphanet 284963, Orphanet 558, MedGen C0024796, MONDO:0007947, OMIM 154700.
Familial thoracic aortic aneurysm and aortic dissection (TAAD). Also called: Thoracic aortic aneurysms and dissections. Identifiers: Orphanet 91387, MedGen C4707243, MONDO:0019625.

Submissions (4):

GeneDx
Classification: Likely pathogenic. Last evaluated: 2025-10-01. Review status: criteria provided, single submitter. Criteria: GeneDx Variant Classification Process June 2021. Collection method: clinical testing. Allele origin: germline. Affected: yes.
Comment: Not observed at significant frequency in large population cohorts (gnomAD); In silico analysis supports that this missense variant has a deleterious effect on protein structure/function; This variant is associated with the following publications: (PMID: 8653794, 28973303, 19293843, 20591885)

Women's Health and Genetics/Laboratory Corporation of America, LabCorp
Classification: Uncertain significance. Last evaluated: 2025-06-13. Review status: criteria provided, single submitter. Criteria: LabCorp Variant Classification Summary - May 2015. Collection method: clinical testing. Allele origin: germline.
Comment: Variant summary: FBN1 c.6046G>A (p.Glu2016Lys) results in a conservative amino acid change in the encoded protein sequence. Algorithms developed to predict the effect of missense changes on protein structure and function are either unavailable or do not agree on the potential impact of this missense change. The variant was absent in 250382 control chromosomes. c.6046G>A has been observed in individual(s) affected with Marfan Syndrome (Stheneur_2009). These data indicate that the variant may be associated with disease. To our knowledge, no experimental evidence demonstrating an impact on protein function has been reported. The following publication has been ascertained in the context of this evaluation (PMID: 19293843). ClinVar contains an entry for this variant (Variation ID: 1193222). Based on the evidence outlined above, the variant was classified as VUS-possibly pathogenic.

Labcorp Genetics (formerly Invitae), Labcorp
Classification: Pathogenic for Marfan syndrome; Familial thoracic aortic aneurysm and aortic dissection. Last evaluated: 2021-10-21. Review status: criteria provided, single submitter. Criteria: Invitae Variant Classification Sherloc (09022015). Collection method: clinical testing. Allele origin: germline.
Comment: This sequence change replaces glutamic acid, which is acidic and polar, with lysine, which is basic and polar, at codon 2016 of the FBN1 protein (p.Glu2016Lys). In summary, the currently available evidence indicates that the variant is pathogenic, but additional data are needed to prove that conclusively. Therefore, this variant has been classified as Likely Pathogenic. Advanced modeling of protein sequence and biophysical properties (such as structural, functional, and spatial information, amino acid conservation, physicochemical variation, residue mobility, and thermodynamic stability) performed at Invitae indicates that this missense variant is expected to disrupt FBN1 protein function. ClinVar contains an entry for this variant (Variation ID: 1193222). This missense change has been observed in individual(s) with clinical features of FBN1-related conditions and/or Marfan syndrome (PMID: 19293843, 28973303). This variant is not present in population databases (gnomAD no frequency).

Ambry Genetics
Classification: Likely pathogenic for Familial thoracic aortic aneurysm and aortic dissection. Last evaluated: 2016-10-03. Review status: criteria provided, single submitter. Criteria: Ambry Variant Classification Scheme 2023. Collection method: clinical testing. Allele origin: germline.
Comment: The p.E2016K variant (also known as c.6046G>A), located in coding exon 49 of the FBN1 gene, results from a G to A substitution at nucleotide position 6046. The glutamic acid at codon 2016 is replaced by lysine, an amino acid with similar properties. This alteration has been reported in a patient with classic Marfan syndrome (Stheneur C et al. Eur. J. Hum. Genet., 2009 Sep;17:1121-8). Based on internal structural analysis, this alteration eliminates a calcium-binding site, resulting in disruption of the rigid quaternary structure of the protein (Downing, AK et al. Cell 1996 May;85(4):597-605). This variant was not reported in population based cohorts in the following databases: Database of Single Nucleotide Polymorphisms (dbSNP), NHLBI Exome Sequencing Project (ESP), and 1000 Genomes Project. In the ESP, this variant was not observed in 6494 samples (12988 alleles) with coverage at this position. This amino acid position is highly conserved in available vertebrate species. In addition, this alteration is predicted to be deleterious by in silico analysis. Based on the majority of available evidence to date, this variant is likely to be pathogenic.

Literature cited by the submitters: PubMed 19293843 (cited by 3 submitters); PubMed 28973303 (cited by Labcorp Genetics (formerly Invitae), Labcorp); PubMed 8653794 (cited by Ambry Genetics).